The following is an entry in ClinVar:

NM_016069.11(PAM16):c.263T>C (p.Val88Ala)

Genes: CORO7-PAM16 (CORO7-PAM16 readthrough; minus strand), PAM16 (presequence translocase associated motor 16; minus strand). Cytogenetic location: 16p13.3.
Variant type: single nucleotide variant.
Coding change: c.263T>C on transcript NM_016069.11 (MANE Select); coding-DNA position 263, T replaced by C.
Protein change: p.Val88Ala; replaces valine 88 with alanine.
Molecular consequence: missense variant.
Genome position (GRCh38, 1-based): chr16:4,340,948, A>G on the plus strand (T>C on the coding strand, the complement: PAM16 is on the minus strand). VCF-style: chr16-4340948-A-G. GRCh37 (hg19) VCF-style: chr16-4390949-A-G.
Other names: c.3032T>C, p.Val1011Ala (NM_001201479.2); short protein forms V1011A, V88A.
Identifiers: ClinVar variation 1405051 (VCV001405051.8), dbSNP rs2141140530, ClinGen allele CA394602694.

ClinVar aggregate classification (germline): Uncertain significance (1 of 4 stars; one submission).

Allele frequency attached by ClinVar (database versions not stated): gnomAD exomes below 0.00001.
gnomAD v4.1: 1 of 1,613,708 alleles (0.000062%); highest among the groups gnomAD compares: Non-Finnish European, 0.000085%; no homozygotes.

Submission:

Labcorp Genetics (formerly Invitae), Labcorp
Classification: Uncertain significance. Last evaluated: 2021-07-12. Review status: criteria provided, single submitter. Criteria: Invitae Variant Classification Sherloc (09022015). Collection method: clinical testing. Allele origin: germline.
Comment: This sequence change replaces valine with alanine at codon 88 of the PAM16 protein (p.Val88Ala). The valine residue is moderately conserved and there is a small physicochemical difference between valine and alanine. This variant is not present in population databases (ExAC no frequency). This variant has not been reported in the literature in individuals affected with PAM16-related conditions. Algorithms developed to predict the effect of missense changes on protein structure and function (SIFT, PolyPhen-2, Align-GVGD) all suggest that this variant is likely to be tolerated. In summary, the available evidence is currently insufficient to determine the role of this variant in disease. Therefore, it has been classified as a Variant of Uncertain Significance.